The following is an entry in ClinVar:

ClinVar aggregate classification (germline): Uncertain significance (1 of 4 stars; one submission).

Allele frequency attached by ClinVar (database versions not stated): gnomAD 0.00002; TOPMed 0.00004; ESP Exome Variant Server 0.00015.
gnomAD v4.1: 8 of 1,611,086 alleles (0.0005%); highest among the groups gnomAD compares: African/African-American, 0.0095%; no homozygotes.

Submission:

Labcorp Genetics (formerly Invitae), Labcorp
Classification: Uncertain significance. Last evaluated: 2025-04-11. Review status: criteria provided, single submitter. Criteria: Invitae Variant Classification Sherloc (09022015). Collection method: clinical testing. Allele origin: germline.
Comment: This sequence change replaces histidine, which is basic and polar, with leucine, which is neutral and non-polar, at codon 441 of the MMP9 protein (p.His441Leu). This variant is present in population databases (rs141702644, gnomAD 0.01%). This variant has not been reported in the literature in individuals affected with MMP9-related conditions. ClinVar contains an entry for this variant (Variation ID: 1006822). Invitae Evidence Modeling of protein sequence and biophysical properties (such as structural, functional, and spatial information, amino acid conservation, physicochemical variation, residue mobility, and thermodynamic stability) indicates that this missense variant is not expected to disrupt MMP9 protein function with a negative predictive value of 80%. In summary, the available evidence is currently insufficient to determine the role of this variant in disease. Therefore, it has been classified as a Variant of Uncertain Significance.

NM_004994.3(MMP9):c.1322A>T (p.His441Leu)

Gene: MMP9 (matrix metallopeptidase 9; plus strand). Cytogenetic location: 20q13.12.
Variant type: single nucleotide variant.
Coding change: c.1322A>T on transcript NM_004994.3 (MANE Select); coding-DNA position 1322, A replaced by T.
Protein change: p.His441Leu; replaces histidine 441 with leucine.
Molecular consequence: missense variant.
Genome position (GRCh38, 1-based): chr20:46,012,574, A>T. VCF-style: chr20-46012574-A-T. GRCh37 (hg19) VCF-style: chr20-44641213-A-T.
Other names: short protein forms H441L.
Identifiers: ClinVar variation 1006822 (VCV001006822.9), dbSNP rs141702644, ClinGen allele CA9886701.